The following is an entry in ClinVar:

NM_000093.5(COL5A1):c.2285C>T (p.Pro762Leu)

Gene: COL5A1 (collagen type V alpha 1 chain; plus strand). Cytogenetic location: 9q34.3.
Variant type: single nucleotide variant.
Coding change: c.2285C>T on transcript NM_000093.5 (MANE Select); coding-DNA position 2285, C replaced by T.
Protein change: p.Pro762Leu; replaces proline 762 with leucine.
Molecular consequence: missense variant.
Genome position (GRCh38, 1-based): chr9:134,768,462, C>T. VCF-style: chr9-134768462-C-T. GRCh37 (hg19) VCF-style: chr9-137660308-C-T.
Other names: p.P762L:CCG>CTG; p.Pro762Leu; c.2285C>T, p.Pro762Leu (NM_001278074.1); short protein forms P762L.
Identifiers: ClinVar variation 212948 (VCV000212948.21), dbSNP rs138259992, ClinGen allele CA319828.

ClinVar aggregate classification (germline): Conflicting classifications of pathogenicity. Review status: criteria provided, conflicting classifications (1 of 4 stars). 5 submissions from 5 submitters: Uncertain significance (4); Likely benign (1). Last evaluated 2025-12-26.

Conditions:
Ehlers-Danlos syndrome, classic type, 1 (EDSCL1). Also called: Ehlers-Danlos Syndrome, Classic Type, COL5A1-Related; EHLERS-DANLOS SYNDROME, GRAVIS TYPE; EHLERS-DANLOS SYNDROME, SEVERE CLASSIC TYPE; Ehlers-Danlos syndrome, type 1; EDS I. Identifiers: MedGen C0268335, MONDO:0019567, OMIM 130000.
Ehlers-Danlos syndrome (EDS). Identifiers: Orphanet 98249, MedGen C0013720, MONDO:0020066.

Allele frequency attached by ClinVar (database versions not stated): TOPMed 0.00002; ESP Exome Variant Server 0.00008; gnomAD 0.00004.
gnomAD v4.1: 147 of 1,613,834 alleles (0.0091%); highest among the groups gnomAD compares: Non-Finnish European, 0.012%; no homozygotes.

Submissions (5):

Labcorp Genetics (formerly Invitae), Labcorp
Classification: Uncertain significance for Ehlers-Danlos syndrome, classic type, 1. Last evaluated: 2025-12-26. Review status: criteria provided, single submitter. Criteria: Invitae Variant Classification Sherloc (09022015). Collection method: clinical testing. Allele origin: germline.
Comment: This sequence change replaces proline, which is neutral and non-polar, with leucine, which is neutral and non-polar, at codon 762 of the COL5A1 protein (p.Pro762Leu). This variant is present in population databases (rs138259992, gnomAD 0.01%). This variant has not been reported in the literature in individuals affected with COL5A1-related conditions. ClinVar contains an entry for this variant (Variation ID: 212948). An algorithm developed to predict the effect of missense changes on protein structure and function (PolyPhen-2) suggests that this variant is likely to be tolerated. In summary, the available evidence is currently insufficient to determine the role of this variant in disease. Therefore, it has been classified as a Variant of Uncertain Significance.

Mayo Clinic Laboratories, Mayo Clinic
Classification: Uncertain significance. Last evaluated: 2025-03-31. Review status: criteria provided, single submitter. Criteria: ACMG Guidelines, 2015. Collection method: clinical testing. Allele origin: germline. Observed: 2 variant alleles.
Comment: BS1

Women's Health and Genetics/Laboratory Corporation of America, LabCorp
Classification: Likely benign. Last evaluated: 2025-02-21. Review status: criteria provided, single submitter. Criteria: LabCorp Variant Classification Summary - May 2015. Collection method: clinical testing. Allele origin: germline.
Comment: Variant summary: COL5A1 c.2285C>T (p.Pro762Leu) results in a non-conservative amino acid change in the encoded protein sequence. Four of five in-silico tools predict a damaging effect of the variant on protein function. Consensus agreement among computation tools predict no significant impact on normal splicing. However, these predictions have yet to be confirmed by functional studies. The variant allele was found at a frequency of 4e-05 in 251374 control chromosomes. The observed variant frequency is approximately 1.27 fold of the estimated maximal expected allele frequency for a pathogenic variant in COL5A1 causing Ehlers-Danlos syndrome, classic type, Ehlers-Danlos syndrome, classic type, 1 phenotype (3.1e-05). c.2285C>T has been reported in the literature in a heterozygous individual affected with Ehlers-Danlos syndrome, classic type, Ehlers-Danlos syndrome, classic type, 1 (Renner_2019); however, this individual carries a variant in another gene. These report(s) do not provide unequivocal conclusions about association of the variant with Ehlers-Danlos syndrome, classic type, Ehlers-Danlos syndrome, classic type, 1. To our knowledge, no experimental evidence demonstrating an impact on protein function has been reported. The following publication have been ascertained in the context of this evaluation (PMID: 30675029). ClinVar contains an entry for this variant (Variation ID: 212948). Based on the evidence outlined above, the variant was classified as likely benign.

GeneDx
Classification: Uncertain significance. Last evaluated: 2023-12-28. Review status: criteria provided, single submitter. Criteria: GeneDx Variant Classification Process June 2021. Collection method: clinical testing. Allele origin: germline. Affected: yes.
Comment: Identified in a patient with a hereditary connective tissue disorder (HCTD) and carotid artery aneurysm and dissection (CAAD) in published literature (PMID: 30675029); In silico analysis supports that this missense variant has a deleterious effect on protein structure/function; Occurs in the triple helical domain at the Y position in the canonical Gly-X-Y repeat; although this variant may have an effect on normal protein folding and function, missense substitution at the Y position is not a common mechanism of disease (PMID: 22696272; HGMD); This variant is associated with the following publications: (PMID: 22696272, 30675029, 33189937)

Genome Diagnostics Laboratory, The Hospital for Sick Children
Classification: Uncertain significance for Ehlers-Danlos syndrome. Last evaluated: 2019-04-01. Review status: criteria provided, single submitter. Criteria: ACMG Guidelines, 2015. Collection method: clinical testing. Allele origin: germline.

Literature cited by the submitters: PubMed 30675029 (cited by Mayo Clinic Laboratories, Mayo Clinic and Women's Health and Genetics/Laboratory Corporation of America, LabCorp).